The following is an entry in ClinVar:

ClinVar aggregate classification (germline): Uncertain significance. Review status: criteria provided, multiple submitters, no conflicts (2 of 4 stars). 2 submissions from 2 submitters: Uncertain significance (2). Last evaluated 2025-01-02.

Conditions:
Primary ciliary dyskinesia. Also called: Ciliary dyskinesia. Identifiers: Orphanet 244, MedGen C0008780, MONDO:0016575, HP:0012265.

Allele frequency attached by ClinVar (database versions not stated): gnomAD 0.00001; gnomAD exomes 0.00001.

Submissions (2):

GeneDx
Classification: Uncertain significance. Last evaluated: 2025-01-02. Review status: criteria provided, single submitter. Criteria: GeneDx Variant Classification Process June 2021. Collection method: clinical testing. Allele origin: germline. Affected: yes.
Comment: Not observed at significant frequency in large population cohorts (gnomAD); In silico analysis indicates that this missense variant does not alter protein structure/function; Has not been previously published as pathogenic or benign to our knowledge

Labcorp Genetics (formerly Invitae), Labcorp
Classification: Uncertain significance for Primary ciliary dyskinesia. Last evaluated: 2021-06-04. Review status: criteria provided, single submitter. Criteria: Invitae Variant Classification Sherloc (09022015). Collection method: clinical testing. Allele origin: germline.
Comment: This sequence change replaces leucine with phenylalanine at codon 349 of the DNAH11 protein (p.Leu349Phe). The leucine residue is moderately conserved and there is a small physicochemical difference between leucine and phenylalanine. This variant is not present in population databases (ExAC no frequency). This variant has not been reported in the literature in individuals with DNAH11-related conditions. Experimental studies and prediction algorithms are not available or were not evaluated, and the functional significance of this variant is currently unknown. In summary, the available evidence is currently insufficient to determine the role of this variant in disease. Therefore, it has been classified as a Variant of Uncertain Significance.

NM_001277115.2(DNAH11):c.1045C>T (p.Leu349Phe)

Gene: DNAH11 (dynein axonemal heavy chain 11; plus strand). Cytogenetic location: 7p15.3.
Variant type: single nucleotide variant.
Coding change: c.1045C>T on transcript NM_001277115.2 (MANE Select); coding-DNA position 1045, C replaced by T.
Protein change: p.Leu349Phe; replaces leucine 349 with phenylalanine.
Molecular consequence: missense variant.
Genome position (GRCh38, 1-based): chr7:21,564,248, C>T. VCF-style: chr7-21564248-C-T. GRCh37 (hg19) VCF-style: chr7-21603866-C-T.
Other names: c.1045C>T (NM_001277115.1); short protein forms L349F.
Identifiers: ClinVar variation 1496960 (VCV001496960.4), dbSNP rs1783576480, ClinGen allele CA366933673.